The following is an entry in ClinVar:

NC_000002.11:g.(?_166018798)_(166246334_?)dup

Genes: SCN2A (sodium voltage-gated channel alpha subunit 2; plus strand), SCN3A (sodium voltage-gated channel alpha subunit 3; minus strand). Cytogenetic location: 2q24.3.
Variant type: Duplication.
Identifiers: ClinVar variation 2425668 (VCV002425668.4).

ClinVar aggregate classification (germline): Uncertain significance (1 of 4 stars; one submission).

Submission:

Labcorp Genetics (formerly Invitae), Labcorp
Classification: Uncertain significance. Last evaluated: 2022-09-18. Review status: criteria provided, single submitter. Criteria: Invitae Variant Classification Sherloc (09022015). Collection method: clinical testing. Allele origin: germline.
Comment: This variant has not been reported in the literature in individuals affected with SCN3A-related conditions. In summary, the available evidence is currently insufficient to determine the role of this variant in disease. Therefore, it has been classified as a Variant of Uncertain Significance. This variant results in a copy number gain of the genomic region encompassing exon(s) 1-9 of the SCN3A gene. This region includes the initiator codon of the gene. This copy number gain extends beyond the assayed region for this gene and therefore may encompass additional genes. As the precise location of this event is unknown, it may be in tandem or it may be located elsewhere in the genome.